The following is an entry in ClinVar:

ClinVar aggregate classification (germline): Uncertain significance. Review status: criteria provided, multiple submitters, no conflicts (2 of 4 stars). 2 submissions from 2 submitters: Uncertain significance (2). Last evaluated 2025-10-21.

Conditions:
Inborn genetic diseases. Identifiers: MedGen C0950123, MeSH D030342.

Allele frequency attached by ClinVar (database versions not stated): gnomAD 0.00003; TOPMed 0.00010; ExAC 0.00011.
gnomAD v4.1: 42 of 1,609,702 alleles (0.0026%); highest among the groups gnomAD compares: Admixed American, 0.037%; no homozygotes.

Submissions (2):

Labcorp Genetics (formerly Invitae), Labcorp
Classification: Uncertain significance. Last evaluated: 2025-10-21. Review status: criteria provided, single submitter. Criteria: Invitae Variant Classification Sherloc (09022015). Collection method: clinical testing. Allele origin: germline.
Comment: This sequence change replaces serine, which is neutral and polar, with threonine, which is neutral and polar, at codon 1658 of the FOCAD protein (p.Ser1658Thr). This variant is present in population databases (rs774325844, gnomAD 0.04%). This variant has not been reported in the literature in individuals affected with FOCAD-related conditions. ClinVar contains an entry for this variant (Variation ID: 2357374). Experimental studies and prediction algorithms are not available or were not evaluated, and the functional significance of this variant is currently unknown. In summary, the available evidence is currently insufficient to determine the role of this variant in disease. Therefore, it has been classified as a Variant of Uncertain Significance.

Ambry Genetics
Classification: Uncertain significance for Inborn genetic diseases. Last evaluated: 2021-08-02. Review status: criteria provided, single submitter. Criteria: Ambry Variant Classification Scheme 2023. Collection method: clinical testing. Allele origin: germline.

NM_001375567.1(FOCAD):c.4972T>A (p.Ser1658Thr)

Gene: FOCAD (focadhesin; plus strand). Cytogenetic location: 9p21.3.
Variant type: single nucleotide variant.
Coding change: c.4972T>A on transcript NM_001375567.1 (MANE Select); coding-DNA position 4972, T replaced by A.
Protein change: p.Ser1658Thr; replaces serine 1658 with threonine.
Molecular consequence: missense variant.
Genome position (GRCh38, 1-based): chr9:20,988,397, T>A. VCF-style: chr9-20988397-T-A. GRCh37 (hg19) VCF-style: chr9-20988396-T-A.
Other names: c.4867T>A, p.Ser1623Thr (NM_001375568.1, NM_001375570.1); c.4972T>A, p.Ser1658Thr (NM_017794.5); short protein forms S1658T, S1623T.
Identifiers: ClinVar variation 2357374 (VCV002357374.3), dbSNP rs774325844, ClinGen allele CA5008131.